The following is an entry in ClinVar:

NM_003824.4(FADD):c.-43A>G

Gene: FADD (Fas associated via death domain; plus strand). Cytogenetic location: 11q13.3.
Variant type: single nucleotide variant.
Coding change: c.-43A>G on transcript NM_003824.4 (MANE Select); 43 bases upstream of the start codon, A replaced by G.
Molecular consequence: 5 prime UTR variant.
Genome position (GRCh38, 1-based): chr11:70,203,417, A>G. VCF-style: chr11-70203417-A-G. GRCh37 (hg19) VCF-style: chr11-70049523-A-G.
Identifiers: ClinVar variation 1174392 (VCV001174392.4), dbSNP rs1131677, ClinGen allele CA6158371.
Genomic context (GRCh38, chr11:70,203,417, plus strand): 5'-TGGGCCGCTGGGCAAGCGGCGAGACCTGGCCAGGGCCAGCGAGCCGAGGACAGAGGGCGC[A>G]CGGAGGGCCGGGCCGCAGCCCCGGCCGCTTGCAGACCCCGCCATGGACCCGTTCCTGGTG-3'

ClinVar aggregate classification (germline): Benign. Review status: criteria provided, multiple submitters, no conflicts (2 of 4 stars). 3 submissions from 3 submitters: Benign (3). Last evaluated 2023-11-12.

Allele frequency attached by ClinVar (database versions not stated): ExAC 0.51236; 1000 Genomes Project 30x 0.53201; 1000 Genomes Project 0.53275; gnomAD exomes 0.53401 and 0.56521; TOPMed 0.56087; gnomAD 0.56657 and 0.56950; ESP Exome Variant Server 0.61359.
gnomAD v4.1: 875,591 of 1,548,628 alleles (57%); highest among the groups gnomAD compares: East Asian, 63%; 249,243 homozygotes.

Submissions (3):

Unidad de Genómica Garrahan, Hospital de Pediatría Garrahan
Classification: Benign. Last evaluated: 2023-11-12. Review status: criteria provided, single submitter. Criteria: ACMG Guidelines, 2015. Collection method: clinical testing. Allele origin: germline. Affected: no. Observed: 41 variant alleles.
Comment: This variant is classified as Benign based on local population frequency. This variant was detected in 43% of patients studied by a panel of primary immunodeficiencies. Number of patients: 41. Only high quality variants are reported.

GeneDx
Classification: Benign. Last evaluated: 2021-05-11. Review status: criteria provided, single submitter. Criteria: GeneDx Variant Classification (06012015). Collection method: clinical testing. Allele origin: germline. Affected: yes.

Breakthrough Genomics
Classification: Benign. Review status: criteria provided, single submitter. Criteria: ACMG Guidelines, 2015. Collection method: not provided. Allele origin: germline. Inheritance: Autosomal recessive inheritance. Affected: yes.